The following is an entry in ClinVar:

NM_000506.5(F2):c.1093G>T (p.Val365Leu)

Gene: F2 (coagulation factor II, thrombin; plus strand). Cytogenetic location: 11p11.2.
Variant type: single nucleotide variant.
Coding change: c.1093G>T on transcript NM_000506.5 (MANE Select); coding-DNA position 1093, G replaced by T.
Protein change: p.Val365Leu; replaces valine 365 with leucine.
Molecular consequence: missense variant.
Genome position (GRCh38, 1-based): chr11:46,726,800, G>T. VCF-style: chr11-46726800-G-T. GRCh37 (hg19) VCF-style: chr11-46748350-G-T.
Other names: short protein forms V365L.
Identifiers: ClinVar variation 2710390 (VCV002710390.3), dbSNP rs2502831153, ClinGen allele CA380267971.

ClinVar aggregate classification (germline): Uncertain significance (1 of 4 stars; one submission).

Conditions:
Congenital prothrombin deficiency. Also called: HYPOPROTHROMBINEMIA; Factor II deficiency; Hereditary factor II deficiency disease; Inherited hypoprothrombinemia; Congenital factor II deficiency; Inherited prothrombin deficiency. Identifiers: Orphanet 325, MedGen C0272317, MONDO:0013361, OMIM 613679.

Submission:

Labcorp Genetics (formerly Invitae), Labcorp
Classification: Uncertain significance for Congenital prothrombin deficiency. Last evaluated: 2024-01-19. Review status: criteria provided, single submitter. Criteria: Invitae Variant Classification Sherloc (09022015). Collection method: clinical testing. Allele origin: germline.
Comment: This sequence change replaces valine, which is neutral and non-polar, with leucine, which is neutral and non-polar, at codon 365 of the F2 protein (p.Val365Leu). This variant is not present in population databases (gnomAD no frequency). This variant has not been reported in the literature in individuals affected with F2-related conditions. Advanced modeling of protein sequence and biophysical properties (such as structural, functional, and spatial information, amino acid conservation, physicochemical variation, residue mobility, and thermodynamic stability) has been performed at Invitae for this missense variant, however the output from this modeling did not meet the statistical confidence thresholds required to predict the impact of this variant on F2 protein function. In summary, the available evidence is currently insufficient to determine the role of this variant in disease. Therefore, it has been classified as a Variant of Uncertain Significance.